The following is an entry in ClinVar:

ClinVar aggregate classification (germline): Uncertain significance (1 of 4 stars; one submission).

Conditions:
Early-infantile DEE. Also called: Early infantile epileptic encephalopathy; Early infantile epileptic encephalopathy with suppression bursts; Ohtahara syndrome. Identifiers: Orphanet 1934, MedGen C0393706, MONDO:0800491.

Submission:

Labcorp Genetics (formerly Invitae), Labcorp
Classification: Uncertain significance for Early-infantile DEE. Last evaluated: 2023-01-22. Review status: criteria provided, single submitter. Criteria: Invitae Variant Classification Sherloc (09022015). Collection method: clinical testing. Allele origin: germline.
Comment: In summary, the available evidence is currently insufficient to determine the role of this variant in disease. Therefore, it has been classified as a Variant of Uncertain Significance. Algorithms developed to predict the effect of sequence changes on RNA splicing suggest that this variant may create or strengthen a splice site. This variant has not been reported in the literature in individuals affected with KCNH5-related conditions. This variant is not present in population databases (gnomAD no frequency). This sequence change affects codon 110 of the KCNH5 mRNA. It is a 'silent' change, meaning that it does not change the encoded amino acid sequence of the KCNH5 protein.

NM_139318.5(KCNH5):c.330A>G (p.Gln110=)

Gene: KCNH5 (potassium voltage-gated channel subfamily H member 5; minus strand). Cytogenetic location: 14q23.2.
Variant type: single nucleotide variant.
Coding change: c.330A>G on transcript NM_139318.5 (MANE Select); coding-DNA position 330, A replaced by G.
Protein change: p.Gln110=; no amino-acid change (glutamine 110 retained).
Molecular consequence: synonymous variant.
Genome position (GRCh38, 1-based): chr14:63,001,434, T>C on the plus strand (A>G on the coding strand, the complement: KCNH5 is on the minus strand). VCF-style: chr14-63001434-T-C. GRCh37 (hg19) VCF-style: chr14-63468152-T-C.
Other names: c.330A>G, p.Gln110= (NM_172375.3).
Identifiers: ClinVar variation 2831079 (VCV002831079.3), dbSNP rs1262524410, ClinGen allele CA486858226.